The following is an entry in ClinVar:

ClinVar aggregate classification (germline): Uncertain significance (1 of 4 stars; one submission).

Conditions:
Tuberous sclerosis 1 (TSC1). Identifiers: Orphanet 805, MedGen C1854465, MONDO:0008612, OMIM 191100.

Allele frequency attached by ClinVar (database versions not stated): gnomAD exomes below 0.00001; TOPMed below 0.00001.
gnomAD v4.1: 1 of 1,614,084 alleles (0.000062%); highest among the groups gnomAD compares: African/African-American, 0.0013%; no homozygotes.

Submissions (2):

Labcorp Genetics (formerly Invitae), Labcorp
Classification: Uncertain significance for Tuberous sclerosis 1. Last evaluated: 2020-06-10. Review status: criteria provided, single submitter. Criteria: Invitae Variant Classification Sherloc (09022015). Collection method: clinical testing. Allele origin: germline.
Comment: This sequence change replaces lysine with asparagine at codon 875 of the TSC1 protein (p.Lys875Asn). The lysine residue is moderately conserved and there is a moderate physicochemical difference between lysine and asparagine. This variant also falls at the last nucleotide of exon 20 of the TSC1 coding sequence, which is part of the consensus splice site for this exon. In summary, the available evidence is currently insufficient to determine the role of this variant in disease. Therefore, it has been classified as a Variant of Uncertain Significance. Nucleotide substitutions within the consensus splice site are a relatively common cause of aberrant splicing (PMID: 17576681, 9536098). Algorithms developed to predict the effect of sequence changes on RNA splicing suggest that this variant may disrupt the consensus splice site, but this prediction has not been confirmed by published transcriptional studies. Algorithms developed to predict the effect of missense changes on protein structure and function are either unavailable or do not agree on the potential impact of this missense change (SIFT: "Deleterious"; PolyPhen-2: "Benign"; Align-GVGD: "Class C0"). This variant has not been reported in the literature in individuals with TSC1-related conditions. This variant is not present in population databases (ExAC no frequency).

Dr. Peter K. Rogan Lab, Western University
No classification provided (evidence only). Condition: Papillary renal cell carcinoma type 1. Review status: no classification provided. Collection method: in vitro. Allele origin: not applicable. Functional consequence: retained intron. Not counted in ClinVar's aggregate classification.

Literature cited by the submitters: PubMed 17576681 (cited by Labcorp Genetics (formerly Invitae), Labcorp); PubMed 9536098 (cited by Labcorp Genetics (formerly Invitae), Labcorp).

NM_000368.5(TSC1):c.2625G>T (p.Lys875Asn)

Gene: TSC1 (TSC complex subunit 1; minus strand). Cytogenetic location: 9q34.13.
Variant type: single nucleotide variant.
Coding change: c.2625G>T on transcript NM_000368.5 (MANE Select); coding-DNA position 2625, G replaced by T.
Protein change: p.Lys875Asn; replaces lysine 875 with asparagine.
Molecular consequence: missense variant.
Genome position (GRCh38, 1-based): chr9:132,900,715, C>A on the plus strand (G>T on the coding strand, the complement: TSC1 is on the minus strand). VCF-style: chr9-132900715-C-A. GRCh37 (hg19) VCF-style: chr9-135776102-C-A.
Other names: c.2622G>T, p.Lys874Asn (NM_001162426.2); c.2472G>T, p.Lys824Asn (NM_001162427.2); c.2262G>T, p.Lys754Asn (NM_001362177.2); short protein forms K874N, K824N, K754N, K875N.
Identifiers: ClinVar variation 1047837 (VCV001047837.9), dbSNP rs777437357, ClinGen allele CA375369817.